The following is an entry in ClinVar:

NM_001129.5(AEBP1):c.1756C>T (p.Arg586Cys)

Gene: AEBP1 (AE binding protein 1; plus strand). Cytogenetic location: 7p13.
Variant type: single nucleotide variant.
Coding change: c.1756C>T on transcript NM_001129.5 (MANE Select); coding-DNA position 1756, C replaced by T.
Protein change: p.Arg586Cys; replaces arginine 586 with cysteine.
Molecular consequence: missense variant.
Genome position (GRCh38, 1-based): chr7:44,111,546, C>T. VCF-style: chr7-44111546-C-T. GRCh37 (hg19) VCF-style: chr7-44151145-C-T.
Other names: short protein forms R586C.
Identifiers: ClinVar variation 1389781 (VCV001389781.5), dbSNP rs774295668, ClinGen allele CA4238003.
Genomic context (GRCh38, chr7:44,111,546, plus strand): 5'-CGTCCTCCCCCTCTGCCCCAGCTCATGAAGGTGGTGAACGAGGAGTGCCCCACCATCACC[C>T]GCACTTACAGCCTGGGCAAGAGCTCACGAGGCCTCAAGATCTATGCCATGGAGATCTCAG-3'
Protein context (NP_001120.3, residues 576-596): VVNEECPTIT[Arg586Cys]TYSLGKSSRG

ClinVar aggregate classification (germline): Uncertain significance (1 of 4 stars; one submission).

Allele frequency attached by ClinVar (database versions not stated): ExAC 0.00001; gnomAD exomes 0.00001; gnomAD 0.00003; TOPMed 0.00004.
gnomAD v4.1: 23 of 1,609,326 alleles (0.0014%); highest among the groups gnomAD compares: African/African-American, 0.011%; no homozygotes.

Submission:

Labcorp Genetics (formerly Invitae), Labcorp
Classification: Uncertain significance. Last evaluated: 2021-09-24. Review status: criteria provided, single submitter. Criteria: Invitae Variant Classification Sherloc (09022015). Collection method: clinical testing. Allele origin: germline.
Comment: This sequence change replaces arginine with cysteine at codon 586 of the AEBP1 protein (p.Arg586Cys). The arginine residue is moderately conserved and there is a large physicochemical difference between arginine and cysteine. This variant is present in population databases (rs774295668, ExAC 0.01%). This variant has not been reported in the literature in individuals with AEBP1-related conditions. Algorithms developed to predict the effect of missense changes on protein structure and function are either unavailable or do not agree on the potential impact of this missense change (SIFT: "Tolerated"; PolyPhen-2: "Probably Damaging"; Align-GVGD: "Class C0"). In summary, the available evidence is currently insufficient to determine the role of this variant in disease. Therefore, it has been classified as a Variant of Uncertain Significance.